The following is an entry in ClinVar:

NM_002878.4(RAD51D):c.935G>T (p.Gly312Val)

Genes: RAD51L3-RFFL (RAD51L3-RFFL readthrough; minus strand), RAD51D (RAD51 paralog D; minus strand). Cytogenetic location: 17q12.
Variant type: single nucleotide variant.
Coding change: c.935G>T on transcript NM_002878.4 (MANE Select); coding-DNA position 935, G replaced by T.
Protein change: p.Gly312Val; replaces glycine 312 with valine.
Molecular consequence: missense variant. On other transcripts: non-coding transcript variant (2).
Genome position (GRCh38, 1-based): chr17:35,101,005, C>A on the plus strand (G>T on the coding strand, the complement: RAD51D is on the minus strand). VCF-style: chr17-35101005-C-A. GRCh37 (hg19) VCF-style: chr17-33428024-C-A.
Other names: c.995G>T, p.Gly332Val (NM_001142571.2); c.599G>T, p.Gly200Val (NM_133629.3); short protein forms G200V, G312V, G332V.
Identifiers: ClinVar variation 823188 (VCV000823188.4), dbSNP rs1597855435, ClinGen allele CA399086126.
Genomic context (GRCh38, chr17:35,101,005, plus strand): 5'-AGCACAGGTCATGTCTGATCACCCTGTAATGTGGCACTCTGCTCTGAGGTCCCCCAGGTC[C>A]CAATGTCTACCATCTCCTGGAAACCTGTTGGCTGGAAGAAGAAGTAAGGAGTCAGTGGAG-3'
Protein context (NP_002869.3, residues 302-322): PTGFQEMVDI[Gly312Val]TWGTSEQSAT

ClinVar aggregate classification (germline): Uncertain significance (1 of 4 stars; one submission).

Conditions:
Hereditary cancer-predisposing syndrome. Also called: Tumor predisposition; Hereditary Cancer Syndrome; Neoplastic Syndromes, Hereditary; Hereditary neoplastic syndrome. Identifiers: Orphanet 140162, MedGen C0027672, MeSH D009386, MONDO:0015356.

Allele frequency attached by ClinVar (database versions not stated): gnomAD 0.00001.
gnomAD v4.1: 1 of 1,613,718 alleles (0.000062%); highest among the groups gnomAD compares: African/African-American, 0.0013%; no homozygotes.

Submission:

Ambry Genetics
Classification: Uncertain significance for Hereditary cancer-predisposing syndrome. Last evaluated: 2024-02-24. Review status: criteria provided, single submitter. Criteria: Ambry Variant Classification Scheme 2023. Collection method: clinical testing. Allele origin: germline.
Comment: The p.G312V variant (also known as c.935G>T), located in coding exon 10 of the RAD51D gene, results from a G to T substitution at nucleotide position 935. The glycine at codon 312 is replaced by valine, an amino acid with dissimilar properties. This amino acid position is well conserved in available vertebrate species. In addition, this alteration is predicted to be tolerated by in silico analysis. Since supporting evidence is limited at this time, the clinical significance of this alteration remains unclear.